The following is an entry in ClinVar:

ClinVar aggregate classification (germline): Uncertain significance (1 of 4 stars; one submission).

Submission:

GeneDx
Classification: Uncertain significance. Last evaluated: 2024-04-01. Review status: criteria provided, single submitter. Criteria: GeneDx Variant Classification Process June 2021. Collection method: clinical testing. Allele origin: germline. Affected: yes.
Comment: Not observed at significant frequency in large population cohorts (gnomAD); In silico analysis supports that this missense variant does not alter protein structure/function; Has not been previously published as pathogenic or benign to our knowledge; This variant is associated with the following publications: (PMID: 28555414, 28637624)

NM_001987.5(ETV6):c.970C>T (p.Pro324Ser)

Gene: ETV6 (ETS variant transcription factor 6; plus strand). Cytogenetic location: 12p13.2.
Variant type: single nucleotide variant.
Coding change: c.970C>T on transcript NM_001987.5 (MANE Select); coding-DNA position 970, C replaced by T.
Protein change: p.Pro324Ser; replaces proline 324 with serine.
Molecular consequence: missense variant.
Genome position (GRCh38, 1-based): chr12:11,869,930, C>T. VCF-style: chr12-11869930-C-T. GRCh37 (hg19) VCF-style: chr12-12022864-C-T.
Other names: c.967C>T, p.Pro323Ser (NM_001413913.1); c.943C>T, p.Pro315Ser (NM_001413914.1); c.706C>T, p.Pro236Ser (NM_001413915.1); c.970C>T, p.Pro324Ser (NM_001413916.1, NM_001413917.1); short protein forms P236S, P315S, P323S, P324S.
Identifiers: ClinVar variation 3371849 (VCV003371849.1).